The following is an entry in ClinVar:

NM_006996.3(SLC19A2):c.497T>A (p.Leu166Ter)

Gene: SLC19A2 (solute carrier family 19 member 2; minus strand). Cytogenetic location: 1q24.2.
Variant type: single nucleotide variant.
Coding change: c.497T>A on transcript NM_006996.3 (MANE Select); coding-DNA position 497, T replaced by A.
Protein change: p.Leu166Ter; replaces leucine 166 with a stop codon.
Molecular consequence: nonsense. On other transcripts: intron variant (1).
Genome position (GRCh38, 1-based): chr1:169,477,465, A>T on the plus strand (T>A on the coding strand, the complement: SLC19A2 is on the minus strand). VCF-style: chr1-169477465-A-T. GRCh37 (hg19) VCF-style: chr1-169446703-A-T.
Other names: c.205-7279T>A (NM_001319667.1); short protein forms L166*.
Identifiers: ClinVar variation 2710969 (VCV002710969.3), dbSNP rs1308116371, ClinGen allele CA343110358.
Genomic context (GRCh38, chr1:169,477,465, plus strand): 5'-GACCAGCCTGCCACTGAGACAAGGATTTGCCCTAGGACAGAGCCCACTGTAAAGCCCACC[A>T]AAGTGGCACTTCGACAGTAACTTGTGACTTTCTGGTACATGCCCAGGTCCACCACACTGT-3'

ClinVar aggregate classification (germline): Pathogenic (1 of 4 stars; one submission).

gnomAD v4.1: 1 of 1,614,064 alleles (0.000062%); highest among the groups gnomAD compares: African/African-American, 0.0013%; no homozygotes.

Submission:

Labcorp Genetics (formerly Invitae), Labcorp
Classification: Pathogenic. Last evaluated: 2024-01-31. Review status: criteria provided, single submitter. Criteria: Invitae Variant Classification Sherloc (09022015). Collection method: clinical testing. Allele origin: germline.
Comment: This sequence change creates a premature translational stop signal (p.Leu166*) in the SLC19A2 gene. It is expected to result in an absent or disrupted protein product. Loss-of-function variants in SLC19A2 are known to be pathogenic (PMID: 10391221, 10391223, 10874303). The frequency data for this variant in the population databases is considered unreliable, as metrics indicate poor data quality at this position in the gnomAD database. This variant has not been reported in the literature in individuals affected with SLC19A2-related conditions. Algorithms developed to predict the effect of sequence changes on RNA splicing suggest that this variant may create or strengthen a splice site. For these reasons, this variant has been classified as Pathogenic.

Literature cited by the submitters: PubMed 10391221; PubMed 10391223; PubMed 10874303.